The following is an entry in ClinVar:

ClinVar aggregate classification (germline): Uncertain significance (1 of 4 stars; one submission).

Conditions:
Hypertrophic cardiomyopathy 26. Also called: Cardiomyopathy, familial hypertrophic, 26. Identifiers: Orphanet 75249, MedGen C4310749, MONDO:0014883, OMIM 617047.
Myofibrillar myopathy 5. Also called: Filaminopathy (type); FILAMINOPATHY, AUTOSOMAL DOMINANT. Identifiers: Orphanet 171445, MedGen C1836050, MONDO:0012289, OMIM 609524.
Distal myopathy with posterior leg and anterior hand involvement. Also called: WILLIAMS DISTAL MYOPATHY. Identifiers: Orphanet 63273, MedGen C3279722, MONDO:0013550, OMIM 614065.

Allele frequency attached by ClinVar (database versions not stated): gnomAD 0.00001; gnomAD exomes 0.00001.
gnomAD v4.1: 6 of 1,613,240 alleles (0.00037%); highest among the groups gnomAD compares: Admixed American, 0.0033%; no homozygotes.

Submission:

Labcorp Genetics (formerly Invitae), Labcorp
Classification: Uncertain significance for Distal myopathy with posterior leg and anterior hand involvement; Myofibrillar myopathy 5; Hypertrophic cardiomyopathy 26. Last evaluated: 2023-02-05. Review status: criteria provided, single submitter. Criteria: Invitae Variant Classification Sherloc (09022015). Collection method: clinical testing. Allele origin: germline.
Comment: In summary, the available evidence is currently insufficient to determine the role of this variant in disease. Therefore, it has been classified as a Variant of Uncertain Significance. Advanced modeling of protein sequence and biophysical properties (such as structural, functional, and spatial information, amino acid conservation, physicochemical variation, residue mobility, and thermodynamic stability) has been performed at Invitae for this missense variant, however the output from this modeling did not meet the statistical confidence thresholds required to predict the impact of this variant on FLNC protein function. This variant has not been reported in the literature in individuals affected with FLNC-related conditions. This variant is present in population databases (no rsID available, gnomAD 0.003%). This sequence change replaces cysteine, which is neutral and slightly polar, with tyrosine, which is neutral and polar, at codon 472 of the FLNC protein (p.Cys472Tyr).

NM_001458.5(FLNC):c.1415G>A (p.Cys472Tyr)

Gene: FLNC (filamin C; plus strand). Cytogenetic location: 7q32.1.
Variant type: single nucleotide variant.
Coding change: c.1415G>A on transcript NM_001458.5 (MANE Select); coding-DNA position 1415, G replaced by A.
Protein change: p.Cys472Tyr; replaces cysteine 472 with tyrosine.
Molecular consequence: missense variant.
Genome position (GRCh38, 1-based): chr7:128,840,026, G>A. VCF-style: chr7-128840026-G-A. GRCh37 (hg19) VCF-style: chr7-128480080-G-A.
Other names: c.1415G>A, p.Cys472Tyr (NM_001127487.2); short protein forms C472Y.
Identifiers: ClinVar variation 2937142 (VCV002937142.3), dbSNP rs1323705274, ClinGen allele CA369225403.